The following is an entry in ClinVar:

ClinVar aggregate classification (germline): Uncertain significance (0 of 4 stars; one submission).

Conditions:
Breast ductal adenocarcinoma. Also called: Ductal breast carcinoma; Breast cancer, invasive ductal. Identifiers: MedGen C1527349, MONDO:0005590.

Submission:

Next Generation Diagnostics, Novartis Institutes for BioMedical Research, Inc.
Classification: Uncertain significance for Breast ductal adenocarcinoma. Last evaluated: 2015-07-20. Review status: no assertion criteria provided. Collection method: research. Allele origin: somatic. Affected: yes.
Comment: Loss of heterozygosity

chr1:17555508-24706269 complex variant

Genes: ACTL8 (actin like 8; plus strand), AKR7A2 (aldo-keto reductase family 7 member A2; minus strand), AKR7A3 (aldo-keto reductase family 7 member A3; minus strand), AKR7L (aldo-keto reductase family 7 like (gene/pseudogene); minus strand), ALDH4A1 (aldehyde dehydrogenase 4 family member A1; minus strand) and 85 more. Cytogenetic location: 1p36.13-36.11.
Variant type: Complex.
Identifiers: ClinVar variation 221359 (VCV000221359.2).